The following is an entry in ClinVar:

ClinVar aggregate classification (germline): Uncertain significance (1 of 4 stars; one submission).

Conditions:
Luscan-Lumish syndrome. Identifiers: Orphanet 597738, MedGen C4085873, MONDO:0014791, OMIM 616831.

Allele frequency attached by ClinVar (database versions not stated): TOPMed below 0.00001; ExAC 0.00001; gnomAD exomes 0.00001 and 0.00002.
gnomAD v4.1: 5 of 1,614,112 alleles (0.00031%); highest among the groups gnomAD compares: Admixed American, 0.0083%; no homozygotes.

Submission:

Labcorp Genetics (formerly Invitae), Labcorp
Classification: Uncertain significance for Luscan-Lumish syndrome. Last evaluated: 2020-05-31. Review status: criteria provided, single submitter. Criteria: Invitae Variant Classification Sherloc (09022015). Collection method: clinical testing. Allele origin: germline.
Comment: In summary, the available evidence is currently insufficient to determine the role of this variant in disease. Therefore, it has been classified as a Variant of Uncertain Significance. Algorithms developed to predict the effect of missense changes on protein structure and function (SIFT, PolyPhen-2, Align-GVGD) all suggest that this variant is likely to be tolerated, but these predictions have not been confirmed by published functional studies and their clinical significance is uncertain. This variant has not been reported in the literature in individuals with SETD2-related conditions. This variant is present in population databases (rs762246808, ExAC 0.009%). This sequence change replaces proline with arginine at codon 1973 of the SETD2 protein (p.Pro1973Arg). The proline residue is weakly conserved and there is a moderate physicochemical difference between proline and arginine.

NM_014159.7(SETD2):c.5918C>G (p.Pro1973Arg)

Gene: SETD2 (SET domain containing 2, histone lysine methyltransferase; minus strand). Cytogenetic location: 3p21.31.
Variant type: single nucleotide variant.
Coding change: c.5918C>G on transcript NM_014159.7 (MANE Select); coding-DNA position 5918, C replaced by G.
Protein change: p.Pro1973Arg; replaces proline 1973 with arginine.
Molecular consequence: missense variant. On other transcripts: non-coding transcript variant (1).
Genome position (GRCh38, 1-based): chr3:47,083,862, G>C on the plus strand (C>G on the coding strand, the complement: SETD2 is on the minus strand). VCF-style: chr3-47083862-G-C. GRCh37 (hg19) VCF-style: chr3-47125352-G-C.
Other names: c.5786C>G, p.Pro1929Arg (NM_001349370.3); short protein forms P1929R, P1973R.
Identifiers: ClinVar variation 1063716 (VCV001063716.5), dbSNP rs762246808, ClinGen allele CA2362834.
Genomic context (GRCh38, chr3:47,083,862, plus strand): 5'-TCACTCTCCACATCAGACACACCCTCCTCTTCATCTTGGGATGGTGTTTCTTCATTAATA[G>C]GTTCTTCTAGTTTTGTGCCGTTGCTCTCTTTGGGCTCTATTTCAGCGTCAGCTTCTGGTT-3'
Protein context (NP_054878.5, residues 1963-1983): KESNGTKLEE[Pro1973Arg]INEETPSQDE